The following is an entry in ClinVar:

NM_015015.3(KDM4B):c.480G>A (p.Met160Ile)

Gene: KDM4B (lysine demethylase 4B; plus strand). Cytogenetic location: 19p13.3.
Variant type: single nucleotide variant.
Coding change: c.480G>A on transcript NM_015015.3 (MANE Select); coding-DNA position 480, G replaced by A.
Protein change: p.Met160Ile; replaces methionine 160 with isoleucine.
Molecular consequence: missense variant.
Genome position (GRCh38, 1-based): chr19:5,047,523, G>A. VCF-style: chr19-5047523-G-A. GRCh37 (hg19) VCF-style: chr19-5047534-G-A.
Other names: c.480G>A, p.Met160Ile (NM_001370093.1, NM_001370094.1, NM_001411148.1); short protein forms M160I.
Identifiers: ClinVar variation 4998712 (VCV004998712.1).

ClinVar aggregate classification (germline): Uncertain significance (1 of 4 stars; one submission).

Conditions:
KDM4B-related disorder. Also called: KDM4B-related condition.

Submission:

PreventionGenetics, part of Exact Sciences
Classification: Uncertain significance for KDM4B-related condition. Last evaluated: 2025-07-09. Review status: criteria provided, single submitter. Criteria: ACMG Guidelines, 2015. Collection method: clinical testing. Allele origin: germline.
Comment: The KDM4B c.480G>A variant is predicted to result in the amino acid substitution p.Met160Ile. To our knowledge, this variant has not been reported in the literature. This variant is reported in 0.00088% of alleles in individuals of European (Non-Finnish) descent in gnomAD. At this time, the clinical significance of this variant is uncertain due to the absence of conclusive functional and genetic evidence.